The following is an entry in ClinVar:

ClinVar aggregate classification (germline): Conflicting classifications of pathogenicity. Review status: criteria provided, conflicting classifications (1 of 4 stars). 2 submissions from 2 submitters: Uncertain significance (1); Likely benign (1). Last evaluated 2025-11-16.

Conditions:
Kostmann syndrome (SCN3). Also called: Autosomal recessive severe congenital neutropenia type 3; KOSTMANN DISEASE. Identifiers: Orphanet 99749, MedGen C5235141, MONDO:0012548, OMIM 610738.

Allele frequency attached by ClinVar (database versions not stated): ExAC 0.00001; gnomAD exomes 0.00001; gnomAD 0.00002; ESP Exome Variant Server 0.00008.

Submissions (2):

Labcorp Genetics (formerly Invitae), Labcorp
Classification: Likely benign for Kostmann syndrome. Last evaluated: 2025-11-16. Review status: criteria provided, single submitter. Criteria: Invitae Variant Classification Sherloc (09022015). Collection method: clinical testing. Allele origin: germline.

Genetic Services Laboratory, University of Chicago
Classification: Uncertain significance. Last evaluated: 2021-02-22. Review status: criteria provided, single submitter. Criteria: ACMG Guidelines, 2015. Collection method: clinical testing. Allele origin: germline. Affected: no.
Comment: This change does not appear to have been previously described in patients with HAX1-related disorders and has been described in the gnomAD with a low population frequency of 0.0032% (dbSNP rs368305272). In silico splice prediction programs provide inconclusive results for this sequence change. It is possible that this sequence change represents a benign sequence change in the HAX1 gene that has not been identified to date. The functional significance of this sequence change is not known at present and its contribution to this patient's disease phenotype cannot definitively be determined.

NM_006118.4(HAX1):c.317-4G>T

Gene: HAX1 (HCLS1 associated protein X-1; plus strand). Cytogenetic location: 1q21.3.
Variant type: single nucleotide variant.
Coding change: c.317-4G>T on transcript NM_006118.4 (MANE Select); 4 bases into the intron before coding-DNA position 317, G replaced by T.
Molecular consequence: intron variant.
Genome position (GRCh38, 1-based): chr1:154,273,770, G>T. VCF-style: chr1-154273770-G-T. GRCh37 (hg19) VCF-style: chr1-154246246-G-T.
Other names: c.173-4G>T (NM_001018837.2).
Identifiers: ClinVar variation 1337845 (VCV001337845.11), dbSNP rs368305272, ClinGen allele CA1127326.